The following is an entry in ClinVar:

NM_173630.4(RTTN):c.61G>A (p.Ala21Thr)

Gene: RTTN (rotatin; minus strand). Cytogenetic location: 18q22.2.
Variant type: single nucleotide variant.
Coding change: c.61G>A on transcript NM_173630.4 (MANE Select); coding-DNA position 61, G replaced by A.
Protein change: p.Ala21Thr; replaces alanine 21 with threonine.
Molecular consequence: missense variant. On other transcripts: 5 prime UTR variant (1).
Genome position (GRCh38, 1-based): chr18:70,205,286, C>T on the plus strand (G>A on the coding strand, the complement: RTTN is on the minus strand). VCF-style: chr18-70205286-C-T. GRCh37 (hg19) VCF-style: chr18-67872522-C-T.
Other names: c.-2493G>A (NM_001318520.2); short protein forms A21T.
Identifiers: ClinVar variation 392955 (VCV000392955.2), dbSNP rs368406992, ClinGen allele CA8996593.
Genomic context (GRCh38, chr18:70,205,286, plus strand): 5'-GAATGAGATCAGCGTAGCAGATTAAGTTGTGCTCAATCTTGCAGAGAATACTCTTGAGAG[C>T]GCGCTCCCTGATCTCGGCCAGCTGATGACCTGTCAACGAACGGCACAAAACTATTTTATT-3'
Protein context (NP_775901.3, residues 11-31): GHQLAEIRER[Ala21Thr]LKSILCKIEH

ClinVar aggregate classification (germline): Uncertain significance (1 of 4 stars; one submission).

Allele frequency attached by ClinVar (database versions not stated): TOPMed 0.00002; ESP Exome Variant Server 0.00008; 1000 Genomes Project 0.00020; 1000 Genomes Project 30x 0.00031.
gnomAD v4.1: 1 of 1,614,190 alleles (0.000062%); highest among the groups gnomAD compares: Non-Finnish European, 0.000085%; no homozygotes.

Submission:

GeneDx
Classification: Uncertain significance. Last evaluated: 2017-01-19. Review status: criteria provided, single submitter. Criteria: GeneDx Variant Classification (06012015). Collection method: clinical testing. Allele origin: germline. Affected: yes.
Comment: A variant of uncertain significance has been identified in the RTTN gene. The A21T variant has not been published as a pathogenic variant, nor has it been reported as a benign variant to our knowledge. The A21T variant is not observed at a significant frequency in large population cohorts (Lek et al., 2016; 1000 Genomes Consortium et al., 2015; Exome Variant Server). The A21T variant is a non-conservative amino acid substitution, which is likely to impact secondary protein structure as these residues differ in polarity, charge, size and/or other properties. This substitution occurs at a position that is conserved in mammals. In silico analysis is inconsistent in its predictions as to whether or not the variant is damaging to the protein structure/function. Based on the currently available information, it is unclear whether this variant is a pathogenic variant or a rare benign variant.